The following is an entry in ClinVar:

ClinVar aggregate classification (germline): Uncertain significance (1 of 4 stars; one submission).

Allele frequency attached by ClinVar (database versions not stated): gnomAD exomes below 0.00001; gnomAD 0.00001; TOPMed 0.00001.

Submission:

Labcorp Genetics (formerly Invitae), Labcorp
Classification: Uncertain significance. Last evaluated: 2024-10-29. Review status: criteria provided, single submitter. Criteria: Invitae Variant Classification Sherloc (09022015). Collection method: clinical testing. Allele origin: germline.
Comment: This sequence change replaces glutamic acid, which is acidic and polar, with lysine, which is basic and polar, at codon 293 of the EFEMP1 protein (p.Glu293Lys). This variant is present in population databases (no rsID available, gnomAD 0.007%). This variant has not been reported in the literature in individuals affected with EFEMP1-related conditions. ClinVar contains an entry for this variant (Variation ID: 1389084). Invitae Evidence Modeling of protein sequence and biophysical properties (such as structural, functional, and spatial information, amino acid conservation, physicochemical variation, residue mobility, and thermodynamic stability) indicates that this missense variant is not expected to disrupt EFEMP1 protein function with a negative predictive value of 80%. In summary, the available evidence is currently insufficient to determine the role of this variant in disease. Therefore, it has been classified as a Variant of Uncertain Significance.

NM_001039348.3(EFEMP1):c.877G>A (p.Glu293Lys)

Gene: EFEMP1 (EGF-like fibulin extracellular matrix protein 1; minus strand). Cytogenetic location: 2p16.1.
Variant type: single nucleotide variant.
Coding change: c.877G>A on transcript NM_001039348.3 (MANE Select); coding-DNA position 877, G replaced by A.
Protein change: p.Glu293Lys; replaces glutamic acid 293 with lysine.
Molecular consequence: missense variant.
Genome position (GRCh38, 1-based): chr2:55,876,626, C>T on the plus strand (G>A on the coding strand, the complement: EFEMP1 is on the minus strand). VCF-style: chr2-55876626-C-T. GRCh37 (hg19) VCF-style: chr2-56103761-C-T.
Other names: c.877G>A, p.Glu293Lys (NM_001039349.3); short protein forms E293K.
Identifiers: ClinVar variation 1389084 (VCV001389084.6), dbSNP rs1005784311, ClinGen allele CA48123782.